The following is an entry in ClinVar:

ClinVar aggregate classification (germline): Uncertain significance (1 of 4 stars; one submission).

gnomAD v4.1: 1 of 1,614,156 alleles (0.000062%); highest among the groups gnomAD compares: African/African-American, 0.0013%; no homozygotes.

Submission:

GeneDx
Classification: Uncertain significance. Last evaluated: 2017-10-03. Review status: criteria provided, single submitter. Criteria: GeneDx Variant Classification (06012015). Collection method: clinical testing. Allele origin: germline. Affected: yes.
Comment: The S37C variant in the PHGDH gene has not been reported previously as a pathogenic variant, nor as a benign variant, to our knowledge. The S37C variant is not observed in large population cohorts (Lek et al., 2016). The S37C variant is a non-conservative amino acid substitution, which is likely to impact secondary protein structure as these residues differ in polarity, charge, size and/or other properties. This substitution occurs at a position that is conserved in mammals. In silico analysis predicts this variant is probably damaging to the protein structure/function. We interpret S37C as a variant of uncertain significance.

NM_006623.4(PHGDH):c.109A>T (p.Ser37Cys)

Gene: PHGDH (phosphoglycerate dehydrogenase; plus strand). Cytogenetic location: 1p12.
Variant type: single nucleotide variant.
Coding change: c.109A>T on transcript NM_006623.4 (MANE Select); coding-DNA position 109, A replaced by T.
Protein change: p.Ser37Cys; replaces serine 37 with cysteine.
Molecular consequence: missense variant.
Genome position (GRCh38, 1-based): chr1:119,712,131, A>T. VCF-style: chr1-119712131-A-T. GRCh37 (hg19) VCF-style: chr1-120254754-A-T.
Other names: short protein forms S37C.
Identifiers: ClinVar variation 452435 (VCV000452435.2), dbSNP rs756952465, ClinGen allele CA341415065.
Genomic context (GRCh38, chr1:119,712,131, plus strand): 5'-CCTTGCTGCCGGAAGATCTTGCAAGATGGAGGGCTGCAGGTGGTGGAAAAGCAGAACCTT[A>T]GCAAAGAGGAGCTGATAGCGGAGCTGCAGGTAAGGCGAGAGAGAGAAAATTGAGGTCTCT-3'
Protein context (NP_006614.2, residues 27-47): GLQVVEKQNL[Ser37Cys]KEELIAELQD